The following is an entry in ClinVar:

ClinVar aggregate classification (germline): Likely benign (1 of 4 stars; one submission).

Submission:

CeGaT Center for Human Genetics Tuebingen
Classification: Likely benign. Last evaluated: 2024-07-01. Review status: criteria provided, single submitter. Criteria: CeGaT Center For Human Genetics Tuebingen Variant Classification Criteria Version 2. Collection method: clinical testing. Allele origin: germline. Affected: yes. Observed: 10 variant alleles.
Comment: PLIN4: PM4, BS2

NM_001367868.2(PLIN4):c.1033_1131del (p.Met345_Ala377del)

Gene: PLIN4 (perilipin 4; minus strand). Cytogenetic location: 19p13.3.
Variant type: Deletion.
Coding change: c.1033_1131del on transcript NM_001367868.2 (MANE Select); coding-DNA positions 1033 to 1131, 99 bases deleted.
Protein change: p.Met345_Ala377del.
Molecular consequence: inframe deletion.
Genome position (GRCh38, 1-based): chr19:4,512,829-4,512,927, 99 bases deleted. GRCh37 (hg19): chr19:4,512,847-4,512,945.
Other names: c.1036_1134del, p.Met346_Ala378del (NM_001393888.1, NM_001393889.1); c.1033_1131del, p.Met345_Ala377del (NM_001393890.1, NM_001393891.1).
Identifiers: ClinVar variation 2649056 (VCV002649056.24), dbSNP rs1568234792, ClinGen allele CA9100858.